The following is an entry in ClinVar:

NM_020461.4(TUBGCP6):c.4027G>A (p.Val1343Met)

Gene: TUBGCP6 (tubulin gamma complex component 6; minus strand). Cytogenetic location: 22q13.33.
Variant type: single nucleotide variant.
Coding change: c.4027G>A on transcript NM_020461.4 (MANE Select); coding-DNA position 4027, G replaced by A.
Protein change: p.Val1343Met; replaces valine 1343 with methionine.
Molecular consequence: missense variant.
Genome position (GRCh38, 1-based): chr22:50,220,332, C>T on the plus strand (G>A on the coding strand, the complement: TUBGCP6 is on the minus strand). VCF-style: chr22-50220332-C-T. GRCh37 (hg19) VCF-style: chr22-50658761-C-T.
Other names: short protein forms V1343M.
Identifiers: ClinVar variation 965889 (VCV000965889.8), dbSNP rs140144242, ClinGen allele CA10307757.
Genomic context (GRCh38, chr22:50,220,332, plus strand): 5'-CTCCCGGGGTGTTGGGCCACCATGGTTGGGTGGGAGCCACGTCTGACACGTTCTCCCCCA[C>T]GCTGATGCTCCCCTCCCCGCAGCCCGAGCTGGGGGAGGACAGAGATGGCCCCACTTCTAC-3'
Protein context (NP_065194.3, residues 1333-1353): SSGCGEGSIS[Val1343Met]GENVSDVAPT

ClinVar aggregate classification (germline): Uncertain significance. Review status: criteria provided, multiple submitters, no conflicts (2 of 4 stars). 3 submissions from 3 submitters: Uncertain significance (3). Last evaluated 2025-07-31.

Conditions:
Inborn genetic diseases. Identifiers: MedGen C0950123, MeSH D030342.

gnomAD v4.1: 41 of 1,574,106 alleles (0.0026%); highest among the groups gnomAD compares: South Asian, 0.0046%; no homozygotes.

Submissions (3):

Labcorp Genetics (formerly Invitae), Labcorp
Classification: Uncertain significance. Last evaluated: 2025-07-31. Review status: criteria provided, single submitter. Criteria: Invitae Variant Classification Sherloc (09022015). Collection method: clinical testing. Allele origin: germline.
Comment: This sequence change replaces valine, which is neutral and non-polar, with methionine, which is neutral and non-polar, at codon 1343 of the TUBGCP6 protein (p.Val1343Met). This variant is present in population databases (rs140144242, gnomAD 0.008%). This variant has not been reported in the literature in individuals affected with TUBGCP6-related conditions. ClinVar contains an entry for this variant (Variation ID: 965889). An algorithm developed to predict the effect of missense changes on protein structure and function (PolyPhen-2) suggests that this variant is likely to be tolerated. In summary, the available evidence is currently insufficient to determine the role of this variant in disease. Therefore, it has been classified as a Variant of Uncertain Significance.

GeneDx
Classification: Uncertain significance. Last evaluated: 2024-03-15. Review status: criteria provided, single submitter. Criteria: GeneDx Variant Classification Process June 2021. Collection method: clinical testing. Allele origin: germline. Affected: yes.
Comment: In silico analysis supports that this missense variant does not alter protein structure/function; Has not been previously published as pathogenic or benign to our knowledge

Ambry Genetics
Classification: Uncertain significance for Inborn genetic diseases. Last evaluated: 2023-12-26. Review status: criteria provided, single submitter. Criteria: Ambry Variant Classification Scheme 2023. Collection method: clinical testing. Allele origin: germline.